The following is an entry in ClinVar:

ClinVar aggregate classification (germline): Uncertain significance (1 of 4 stars; one submission).

Allele frequency attached by ClinVar (database versions not stated): gnomAD exomes below 0.00001 and 0.00001; ExAC 0.00001; gnomAD 0.00001.
gnomAD v4.1: 14 of 1,614,034 alleles (0.00087%); highest among the groups gnomAD compares: East Asian, 0.0022%; no homozygotes.

Submission:

Labcorp Genetics (formerly Invitae), Labcorp
Classification: Uncertain significance. Last evaluated: 2022-07-19. Review status: criteria provided, single submitter. Criteria: Invitae Variant Classification Sherloc (09022015). Collection method: clinical testing. Allele origin: germline.
Comment: In summary, the available evidence is currently insufficient to determine the role of this variant in disease. Therefore, it has been classified as a Variant of Uncertain Significance. This sequence change replaces serine, which is neutral and polar, with leucine, which is neutral and non-polar, at codon 400 of the SLC18A2 protein (p.Ser400Leu). This variant is present in population databases (rs778181392, gnomAD 0.005%). This variant has not been reported in the literature in individuals affected with SLC18A2-related conditions. ClinVar contains an entry for this variant (Variation ID: 1475473). Algorithms developed to predict the effect of missense changes on protein structure and function are either unavailable or do not agree on the potential impact of this missense change (SIFT: "Deleterious"; PolyPhen-2: "Possibly Damaging"; Align-GVGD: "Class C15").

NM_003054.6(SLC18A2):c.1199C>T (p.Ser400Leu)

Gene: SLC18A2 (solute carrier family 18 member A2; plus strand). Cytogenetic location: 10q25.3.
Variant type: single nucleotide variant.
Coding change: c.1199C>T on transcript NM_003054.6 (MANE Select); coding-DNA position 1199, C replaced by T.
Protein change: p.Ser400Leu; replaces serine 400 with leucine.
Molecular consequence: missense variant.
Genome position (GRCh38, 1-based): chr10:117,270,083, C>T. VCF-style: chr10-117270083-C-T. GRCh37 (hg19) VCF-style: chr10-119029594-C-T.
Other names: short protein forms S400L.
Identifiers: ClinVar variation 1475473 (VCV001475473.8), dbSNP rs778181392, ClinGen allele CA5710604.